The following is an entry in ClinVar:

NM_001083962.2(TCF4):c.1504del (p.Gln502fs)

Gene: TCF4 (transcription factor 4; minus strand). Cytogenetic location: 18q21.2.
Variant type: Deletion.
Coding change: c.1504del on transcript NM_001083962.2 (MANE Select); coding-DNA position 1504, one base deleted (C; older notation c.1504delC).
Protein change: p.Gln502fs; shifts the reading frame from glutamine 502.
Molecular consequence: frameshift variant.
Genome position (GRCh38, 1-based): chr18:55,232,654, G deleted on the plus strand (C on the coding strand, the reverse complement: TCF4 is on the minus strand). VCF-style (leftmost placement, unchanged base first): chr18-55232653-TG-T. GRCh37 (hg19) VCF-style: chr18-52899884-TG-T.
Other names: c.1810del, p.Gln604fs (NM_001243226.3); c.1432del, p.Gln478fs (NM_001243227.2, NM_001306207.1, NM_001348217.1 and 5 more transcripts); c.1522del, p.Gln508fs (NM_001243228.2); c.1495del, p.Gln499fs (NM_001243230.2); c.1378del, p.Gln460fs (NM_001243231.2, NM_001348211.2); c.1291del, p.Gln431fs (NM_001243232.1, NM_001306208.1); c.1114del, p.Gln372fs (NM_001243233.2, NM_001330605.3, NM_001348212.2 and 1 more transcripts); c.1024del, p.Gln342fs (NM_001243234.2, NM_001243235.2, NM_001243236.2 and 1 more transcripts); and 6 more; short protein forms Q460fs, Q604fs, Q286fs, Q341fs, Q477fs, Q478fs, Q508fs, Q342fs.
Identifiers: ClinVar variation 468948 (VCV000468948.7), dbSNP rs1555718426, ClinGen allele CA658658757.

ClinVar aggregate classification (germline): Pathogenic (1 of 4 stars; one submission).

Conditions:
Pitt-Hopkins syndrome (PTHS). Also called: ENCEPHALOPATHY, SEVERE EPILEPTIC, WITH AUTONOMIC DYSFUNCTION; MENTAL RETARDATION, SYNDROMAL, WITH INTERMITTENT HYPERVENTILATION. Identifiers: Orphanet 2896, MedGen C1970431, MONDO:0012589, OMIM 610954.

Submission:

Labcorp Genetics (formerly Invitae), Labcorp
Classification: Pathogenic for Pitt-Hopkins syndrome. Last evaluated: 2018-10-20. Review status: criteria provided, single submitter. Criteria: Invitae Variant Classification Sherloc (09022015). Collection method: clinical testing. Allele origin: germline.
Comment: For these reasons, this variant has been classified as Pathogenic. Loss-of-function variants in TCF4 are known to be pathogenic (PMID: 22045651, 18728071). This variant has not been reported in the literature in individuals with a TCF4-related disease. This variant is not present in population databases (ExAC no frequency). This sequence change creates a premature translational stop signal (p.Gln502Argfs*33) in the TCF4 gene. It is expected to result in an absent or disrupted protein product.

Literature cited by the submitters: PubMed 22045651; PubMed 18728071.